The following is an entry in ClinVar:

ClinVar aggregate classification (germline): Uncertain significance. Review status: criteria provided, multiple submitters, no conflicts (2 of 4 stars). 2 submissions from 2 submitters: Uncertain significance (2). Last evaluated 2026-09-09.

Conditions:
TSPEAR-related disorder. Also called: TSPEAR-related condition.
Inborn genetic diseases. Identifiers: MedGen C0950123, MeSH D030342.

Allele frequency attached by ClinVar (database versions not stated): ExAC 0.00007; gnomAD 0.00009; TOPMed 0.00010; gnomAD exomes 0.00012; 1000 Genomes Project 30x 0.00062; 1000 Genomes Project 0.00080.
gnomAD v4.1: 182 of 1,609,052 alleles (0.011%); highest among the groups gnomAD compares: South Asian, 0.027%; no homozygotes.

Submissions (2):

PreventionGenetics, part of Exact Sciences
Classification: Uncertain significance for TSPEAR-related condition. Last evaluated: 2026-09-09. Review status: criteria provided, single submitter. Criteria: ACMG Guidelines, 2015. Collection method: clinical testing. Allele origin: germline.
Comment: The TSPEAR c.526G>A variant is predicted to result in the amino acid substitution p.Gly176Ser. To our knowledge, this variant has not been reported in the literature. This variant is reported in 0.030% of alleles in individuals of South Asian descent in gnomAD. At this time, the clinical significance of this variant is uncertain due to the absence of conclusive functional and genetic evidence.

Ambry Genetics
Classification: Uncertain significance for Inborn genetic diseases. Last evaluated: 2025-08-03. Review status: criteria provided, single submitter. Criteria: Ambry Variant Classification Scheme 2023. Collection method: clinical testing. Allele origin: germline.

NM_144991.3(TSPEAR):c.526G>A (p.Gly176Ser)

Gene: TSPEAR (thrombospondin type laminin G domain and EAR repeats; minus strand). Cytogenetic location: 21q22.3.
Variant type: single nucleotide variant.
Coding change: c.526G>A on transcript NM_144991.3 (MANE Select); coding-DNA position 526, G replaced by A.
Protein change: p.Gly176Ser; replaces glycine 176 with serine.
Molecular consequence: missense variant.
Genome position (GRCh38, 1-based): chr21:44,533,701, C>T on the plus strand (G>A on the coding strand, the complement: TSPEAR is on the minus strand). VCF-style: chr21-44533701-C-T. GRCh37 (hg19) VCF-style: chr21-45953584-C-T.
Other names: c.322G>A, p.Gly108Ser (NM_001272037.2); short protein forms G108S, G176S.
Identifiers: ClinVar variation 2347894 (VCV002347894.4), dbSNP rs587606728, ClinGen allele CA10056992.
Genomic context (GRCh38, chr21:44,533,701, plus strand): 5'-GACTCTGAGGACTGCAGGTGCACCCTCCCCGGGTGGGTACCTACATGTCCACCGGGAGGC[C>T]GCAGTCCGTGGTGAGGGAGAAGACGCCTGCGGACACAGCCAGGACCAGTGTGTGCCAGCG-3'
Protein context (NP_659428.2, residues 166-186): AGVFSLTTDC[Gly176Ser]LPVDIMADVP